The following is an entry in ClinVar:

NM_153346.5(BEND2):c.1896del (p.Asn633fs)

Gene: BEND2 (BEN domain containing 2; minus strand). Cytogenetic location: Xp22.13.
Variant type: Deletion.
Coding change: c.1896del on transcript NM_153346.5 (MANE Select); coding-DNA position 1896, one base deleted (G; older notation c.1896delG).
Protein change: p.Asn633fs; shifts the reading frame from asparagine 633.
Molecular consequence: frameshift variant.
Genome position (GRCh38, 1-based): chrX:18,174,115, C deleted on the plus strand (G on the coding strand, the reverse complement: BEND2 is on the minus strand); the first of 2 consecutive C bases (chrX:18,174,115-18,174,116); deleting either gives the same sequence. VCF-style (leftmost placement, unchanged base first): chrX-18174114-TC-T. GRCh37 (hg19) VCF-style: chrX-18192234-TC-T.
Other names: c.1623del, p.Asn542fs (NM_001184767.2); short protein forms N633fs, N542fs.
Identifiers: ClinVar variation 420192 (VCV000420192.2), dbSNP rs1064794338, ClinGen allele CA16621267.

ClinVar aggregate classification (germline): Uncertain significance (1 of 4 stars; one submission).

Submission:

GeneDx
Classification: Uncertain significance. Last evaluated: 2015-12-14. Review status: criteria provided, single submitter. Criteria: GeneDx Variant Classification (06012015). Collection method: clinical testing. Allele origin: germline. Affected: yes.
Comment: The c.1896delG variant in the BEND2 gene has not been reported previously as a pathogenic variant nor as a benign variant, to our knowledge. The c.1896delG variant causes a frameshift starting with codon Asparagine 633, changes this amino acid to a Threonine residue, and creates a premature Stop codon at position 45 of the new reading frame, denoted p.Asn633ThrfsX45. This variant is predicted to cause loss of normal protein function either through protein truncation or nonsense-mediated mRNA decay. The c.1896delG variant was not observed in approximately 6500 individuals of European and African American ancestry in the NHLBI Exome Sequencing Project, indicating it is not a common benign variant in these populations. We interpret c.1896delG as a variant of uncertain significance.